The following is an entry in ClinVar:

ClinVar aggregate classification (germline): Uncertain significance (1 of 4 stars; one submission).

Conditions:
Catecholaminergic polymorphic ventricular tachycardia (CVPT). Also called: Catecholamine-induced polymorphic ventricular tachycardia. Identifiers: Orphanet 3286, MedGen C5574922, MONDO:0017990.

Allele frequency attached by ClinVar (database versions not stated): gnomAD exomes 0.00001.
gnomAD v4.1: 7 of 1,607,294 alleles (0.00044%); highest among the groups gnomAD compares: South Asian, 0.0022%; no homozygotes.

Submission:

All of Us Research Program, National Institutes of Health
Classification: Uncertain significance for Catecholaminergic polymorphic ventricular tachycardia. Last evaluated: 2023-10-02. Review status: criteria provided, single submitter. Criteria: ACMG Guidelines, 2015. Collection method: clinical testing. Allele origin: germline. Inheritance: Autosomal dominant inheritance. Observed: 1 variant allele, 1 heterozygote.
Comment: This missense variant replaces serine with proline at codon 2992 of the RYR2 protein. Computational prediction is inconclusive regarding the impact of this variant on protein structure and function (internally defined REVEL score threshold 0.5 < inconclusive < 0.7, PMID: 27666373). To our knowledge, functional studies have not been reported for this variant. This variant has not been reported in individuals affected with RYR2-related disorders in the literature. This variant has not been identified in the general population by the Genome Aggregation Database (gnomAD). The available evidence is insufficient to determine the role of this variant in disease conclusively. Therefore, this variant is classified as a Variant of Uncertain Significance.

This study involves interpretation of variants in research participants for the purpose of population health screening. Participant phenotype was not available at the time of variant classification. Additional details can be found in publication PMID: 35346344, PMCID: PMC8962531

NM_001035.3(RYR2):c.8974T>C (p.Ser2992Pro)

Gene: RYR2 (ryanodine receptor 2; plus strand). Cytogenetic location: 1q43.
Variant type: single nucleotide variant.
Coding change: c.8974T>C on transcript NM_001035.3 (MANE Select); coding-DNA position 8974, T replaced by C.
Protein change: p.Ser2992Pro; replaces serine 2992 with proline.
Molecular consequence: missense variant.
Genome position (GRCh38, 1-based): chr1:237,680,534, T>C. VCF-style: chr1-237680534-T-C. GRCh37 (hg19) VCF-style: chr1-237843834-T-C.
Other names: short protein forms S2992P.
Identifiers: ClinVar variation 3073614 (VCV003073614.1), dbSNP rs1432937846, ClinGen allele CA345404506.